The following is an entry in ClinVar:

ClinVar aggregate classification (germline): Uncertain significance (1 of 4 stars; one submission).

Allele frequency attached by ClinVar (database versions not stated): TOPMed below 0.00001.

Submission:

GeneDx
Classification: Uncertain significance. Last evaluated: 2022-09-06. Review status: criteria provided, single submitter. Criteria: GeneDx Variant Classification Process June 2021. Collection method: clinical testing. Allele origin: germline. Affected: yes.
Comment: Not observed at significant frequency in large population cohorts (gnomAD); In silico analysis supports that this missense variant does not alter protein structure/function; Has not been previously published as pathogenic or benign to our knowledge

NM_001852.4(COL9A2):c.337C>T (p.Pro113Ser)

Genes: COL9A2 (collagen type IX alpha 2 chain; minus strand), LOC129930257 (ATAC-STARR-seq lymphoblastoid active region 840; plus strand). Cytogenetic location: 1p34.2.
Variant type: single nucleotide variant.
Coding change: c.337C>T on transcript NM_001852.4 (MANE Select); coding-DNA position 337, C replaced by T.
Protein change: p.Pro113Ser; replaces proline 113 with serine.
Molecular consequence: missense variant.
Genome position (GRCh38, 1-based): chr1:40,312,576, G>A on the plus strand (C>T on the coding strand, the complement: COL9A2 is on the minus strand). VCF-style: chr1-40312576-G-A. GRCh37 (hg19) VCF-style: chr1-40778248-G-A.
Other names: short protein forms P113S.
Identifiers: ClinVar variation 2442741 (VCV002442741.1), dbSNP rs1191007929, ClinGen allele CA339857130.